The following is an entry in ClinVar:

NM_002473.6(MYH9):c.1109-6_1109-2del

Gene: MYH9 (myosin heavy chain 9; minus strand). Cytogenetic location: 22q12.3.
Variant type: Deletion.
Coding change: c.1109-6_1109-2del on transcript NM_002473.6 (MANE Select); 6 bases into the intron before coding-DNA position 1109 through the canonical splice acceptor site of the intron before coding-DNA position 1109, 5 bases deleted (TCTTA; older notation c.1109-6_1109-2delTCTTA).
Molecular consequence: splice acceptor variant.
Genome position (GRCh38, 1-based): chr22:36,318,327-36,318,331, TAAGA deleted on the plus strand (TCTTA on the coding strand, the reverse complement: MYH9 is on the minus strand); deleting any 5 consecutive bases within chr22:36,318,327-36,318,332 gives the same sequence; the c. name uses the placement nearest the transcript's 3' end. VCF-style (leftmost placement, unchanged base first): chr22-36318326-CTAAGA-C. GRCh37 (hg19) VCF-style: chr22-36714371-CTAAGA-C.
Other names: c.1109-6_1109-2del5 (NM_002473.5).
Identifiers: ClinVar variation 1311550 (VCV001311550.3), dbSNP rs1268509764, ClinGen allele CA752823637.

ClinVar aggregate classification (germline): Uncertain significance. Review status: criteria provided, single submitter (1 of 4 stars). 2 submissions from 2 submitters: Uncertain significance (1). 1 of the submissions does not count toward it. Last evaluated 2020-01-10.

Conditions:
MYH9-related disorder. Identifiers: MedGen C1854520.

Submissions (2):

GeneDx
Classification: Uncertain significance. Last evaluated: 2020-01-10. Review status: criteria provided, single submitter. Criteria: GeneDx Variant Classification Process June 2021. Collection method: clinical testing. Allele origin: germline. Affected: yes.
Comment: Not observed in large population cohorts (Lek et al., 2016); In-silico analysis, which includes splice predictors and evolutionary conservation, is inconclusive as to whether the variant alters gene splicing. In the absence of RNA/functional studies, the actual effect of this sequence change is unknown.; Has not been previously published as pathogenic or benign to our knowledge

PreventionGenetics, part of Exact Sciences
Classification: Uncertain significance for MYH9-related condition. Last evaluated: 2024-07-15. Review status: no assertion criteria provided. Collection method: clinical testing. Allele origin: germline. Not counted in ClinVar's aggregate classification.
Comment: The MYH9 c.1109-6_1109-2del5 variant is predicted to result in a deletion affecting a canonical splice site. This variant is predicted to alter splicing based on available splicing prediction programs (SpliceAI, Jaganathan et al. 2019. PubMed ID: 30661751). However, such computer prediction programs are imperfect. To our knowledge, this variant has not been reported in the literature or in a large population database, indicating this variant is rare. This variant is interpreted as no interpretation set.